The following is an entry in ClinVar:

ClinVar aggregate classification (germline): Likely benign. Review status: criteria provided, multiple submitters, no conflicts (2 of 4 stars). 3 submissions from 3 submitters: Likely benign (3). Last evaluated 2025-12-02.

Conditions:
Hereditary cancer-predisposing syndrome. Also called: Tumor predisposition; Hereditary Cancer Syndrome; Hereditary neoplastic syndrome; Neoplastic Syndromes, Hereditary. Identifiers: Orphanet 140162, MedGen C0027672, MeSH D009386, MONDO:0015356.
Pheochromocytoma/paraganglioma syndrome 5. Also called: Paragangliomas 5; SDHA-Related Hereditary Paraganglioma-Pheochromocytoma Syndrome. Identifiers: Orphanet 29072, MedGen C3279992, MONDO:0013602, OMIM 614165.
Mitochondrial complex II deficiency, nuclear type 1. Also called: SUCCINATE CoQ REDUCTASE DEFICIENCY. Identifiers: Orphanet 3208, MedGen C5700310, MONDO:0100294, OMIM 252011.

Allele frequency attached by ClinVar (database versions not stated): TOPMed 0.00001; gnomAD 0.00002 and 0.00003.
gnomAD v4.1: 4 of 1,613,242 alleles (0.00025%); highest among the groups gnomAD compares: African/African-American, 0.0053%; no homozygotes.

Submissions (3):

Labcorp Genetics (formerly Invitae), Labcorp
Classification: Likely benign for Pheochromocytoma/paraganglioma syndrome 5; Mitochondrial complex II deficiency, nuclear type 1. Last evaluated: 2025-12-02. Review status: criteria provided, single submitter. Criteria: Invitae Variant Classification Sherloc (09022015). Collection method: clinical testing. Allele origin: germline.

Myriad Genetics, Inc.
Classification: Likely benign for Pheochromocytoma/paraganglioma syndrome 5. Last evaluated: 2025-03-03. Review status: criteria provided, single submitter. Criteria: Myriad Autosomal Dominant, Autosomal Recessive and X-Linked Classification Criteria (2023). Collection method: clinical testing. Allele origin: unknown.
Comment: This variant is considered likely benign. This variant is intronic and is not expected to impact mRNA splicing.

Ambry Genetics
Classification: Likely benign for Hereditary cancer-predisposing syndrome. Last evaluated: 2024-05-09. Review status: criteria provided, single submitter. Criteria: Ambry Variant Classification Scheme 2023. Collection method: clinical testing. Allele origin: germline.

NM_004168.4(SDHA):c.771-4C>T

Gene: SDHA (succinate dehydrogenase complex flavoprotein subunit A; plus strand). Cytogenetic location: 5p15.33.
Variant type: single nucleotide variant.
Coding change: c.771-4C>T on transcript NM_004168.4 (MANE Select); 4 bases into the intron before coding-DNA position 771, C replaced by T.
Molecular consequence: intron variant.
Genome position (GRCh38, 1-based): chr5:230,872, C>T. VCF-style: chr5-230872-C-T. GRCh37 (hg19) VCF-style: chr5-230987-C-T.
Other names: c.771-4C>T (NM_001330758.2); c.627-4C>T (NM_001294332.2).
Identifiers: ClinVar variation 1596195 (VCV001596195.12), dbSNP rs1360537551, ClinGen allele CA808911749.